The following is an entry in ClinVar:

ClinVar aggregate classification (germline): Uncertain significance. Review status: criteria provided, multiple submitters, no conflicts (2 of 4 stars). 3 submissions from 3 submitters: Uncertain significance (3). Last evaluated 2025-12-08.

Allele frequency attached by ClinVar (database versions not stated): gnomAD exomes 0.00033 and 0.00046; ExAC 0.00036; gnomAD 0.00038 and 0.00040; 1000 Genomes Project 0.00040; 1000 Genomes Project 30x 0.00047; TOPMed 0.00047; ESP Exome Variant Server 0.00100.
gnomAD v4.1: 737 of 1,613,880 alleles (0.046%); highest among the groups gnomAD compares: Middle Eastern, 0.2%; 1 homozygote.

Submissions (3):

Labcorp Genetics (formerly Invitae), Labcorp
Classification: Uncertain significance. Last evaluated: 2025-12-08. Review status: criteria provided, single submitter. Criteria: Invitae Variant Classification Sherloc (09022015). Collection method: clinical testing. Allele origin: germline.
Comment: This sequence change replaces threonine, which is neutral and polar, with methionine, which is neutral and non-polar, at codon 151 of the SHPK protein (p.Thr151Met). This variant is present in population databases (rs146284695, gnomAD 0.05%). This variant has not been reported in the literature in individuals affected with SHPK-related conditions. ClinVar contains an entry for this variant (Variation ID: 1426288). An algorithm developed to predict the effect of missense changes on protein structure and function (PolyPhen-2) suggests that this variant is likely to be disruptive. In summary, the available evidence is currently insufficient to determine the role of this variant in disease. Therefore, it has been classified as a Variant of Uncertain Significance.

Ambry Genetics
Classification: Uncertain significance. Last evaluated: 2024-07-31. Review status: criteria provided, single submitter. Criteria: Ambry Variant Classification Scheme 2023. Collection method: clinical testing. Allele origin: germline.

Breakthrough Genomics
Classification: Uncertain significance. Review status: criteria provided, single submitter. Criteria: ACMG Guidelines, 2015. Collection method: not provided. Allele origin: germline. Inheritance: Autosomal recessive inheritance. Affected: yes.

NM_013276.4(SHPK):c.452C>T (p.Thr151Met)

Genes: SHPK (sedoheptulokinase; minus strand), LOC126862464 (MED14-independent group 3 enhancer GRCh37_chr17:3526895-3528094; plus strand). Cytogenetic location: 17p13.2.
Variant type: single nucleotide variant.
Coding change: c.452C>T on transcript NM_013276.4 (MANE Select); coding-DNA position 452, C replaced by T.
Protein change: p.Thr151Met; replaces threonine 151 with methionine.
Molecular consequence: missense variant.
Genome position (GRCh38, 1-based): chr17:3,624,090, G>A on the plus strand (C>T on the coding strand, the complement: SHPK is on the minus strand). VCF-style: chr17-3624090-G-A. GRCh37 (hg19) VCF-style: chr17-3527384-G-A.
Other names: c.452C>T (NM_013276.2); short protein forms T151M.
Identifiers: ClinVar variation 1426288 (VCV001426288.8), dbSNP rs146284695, ClinGen allele CA8291332.